The following is an entry in ClinVar:

ClinVar aggregate classification (germline): Uncertain significance (1 of 4 stars; one submission).

Allele frequency attached by ClinVar (database versions not stated): TOPMed 0.00001; gnomAD exomes 0.00002; ExAC 0.00003; gnomAD 0.00003.
gnomAD v4.1: 14 of 1,587,402 alleles (0.00088%); highest among the groups gnomAD compares: Non-Finnish European, 0.0012%; no homozygotes.

Submission:

Labcorp Genetics (formerly Invitae), Labcorp
Classification: Uncertain significance. Last evaluated: 2024-04-25. Review status: criteria provided, single submitter. Criteria: Invitae Variant Classification Sherloc (09022015). Collection method: clinical testing. Allele origin: germline.
Comment: This sequence change replaces phenylalanine, which is neutral and non-polar, with isoleucine, which is neutral and non-polar, at codon 1992 of the MYO7A protein (p.Phe1992Ile). This variant is present in population databases (rs771906493, gnomAD 0.003%). This missense change has been observed in individual(s) with clinical features of Usher syndrome (PMID: 10094549; Invitae). Advanced modeling of protein sequence and biophysical properties (such as structural, functional, and spatial information, amino acid conservation, physicochemical variation, residue mobility, and thermodynamic stability) performed at Invitae indicates that this missense variant is not expected to disrupt MYO7A protein function with a negative predictive value of 95%. In summary, the available evidence is currently insufficient to determine the role of this variant in disease. Therefore, it has been classified as a Variant of Uncertain Significance.

Literature cited by the submitters: PubMed 10094549.

NM_000260.4(MYO7A):c.5974T>A (p.Phe1992Ile)

Gene: MYO7A (myosin VIIA; plus strand). Cytogenetic location: 11q13.5.
Variant type: single nucleotide variant.
Coding change: c.5974T>A on transcript NM_000260.4 (MANE Select); coding-DNA position 5974, T replaced by A.
Protein change: p.Phe1992Ile; replaces phenylalanine 1992 with isoleucine.
Molecular consequence: missense variant.
Genome position (GRCh38, 1-based): chr11:77,208,726, T>A. VCF-style: chr11-77208726-T-A. GRCh37 (hg19) VCF-style: chr11-76919771-T-A.
Other names: c.5860T>A, p.Phe1954Ile (NM_001127180.2); c.5827T>A, p.Phe1943Ile (NM_001369365.1); short protein forms F1943I, F1992I, F1954I.
Identifiers: ClinVar variation 2885423 (VCV002885423.3), dbSNP rs771906493, ClinGen allele CA6198894.
Genomic context (GRCh38, chr11:77,208,726, plus strand): 5'-CCTCTGGGTGACCGACTGCCCTGTGCTGCAGGAATTGTGCCCTCACTCACCTACCAGGTG[T>A]TCTTCATGAAGAAGCTGTGGACCACCACGGTGCCAGGGAAGGATCCCATGGCCGATTCCA-3'
Protein context (NP_000251.3, residues 1982-2002): GIVPSLTYQV[Phe1992Ile]FMKKLWTTTV